The following is an entry in ClinVar:

NM_024678.6(NARS2):c.-27C>A

Gene: NARS2 (asparaginyl-tRNA synthetase 2, mitochondrial; minus strand). Cytogenetic location: 11q14.1.
Variant type: single nucleotide variant.
Coding change: c.-27C>A on transcript NM_024678.6 (MANE Select); 27 bases upstream of the start codon, C replaced by A.
Molecular consequence: 5 prime UTR variant. On other transcripts: intron variant (1).
Genome position (GRCh38, 1-based): chr11:78,574,515, G>T on the plus strand (C>A on the coding strand, the complement: NARS2 is on the minus strand). VCF-style: chr11-78574515-G-T. GRCh37 (hg19) VCF-style: chr11-78285560-G-T.
Other names: c.-541+314C>A (NM_001243251.2).
Identifiers: ClinVar variation 382079 (VCV000382079.2), dbSNP rs57161960, ClinGen allele CA6206017.

ClinVar aggregate classification (germline): Benign. Review status: criteria provided, multiple submitters, no conflicts (2 of 4 stars). 2 submissions from 2 submitters: Benign (2). Last evaluated 2015-12-28.

Allele frequency attached by ClinVar (database versions not stated): ExAC 0.01279; gnomAD 0.02871 and 0.03069; 1000 Genomes Project 0.02895; 1000 Genomes Project 30x 0.03076; TOPMed 0.03208; ESP Exome Variant Server 0.03320.
gnomAD v4.1: 8,327 of 1,585,106 alleles (0.53%); highest among the groups gnomAD compares: African/African-American, 10%; 380 homozygotes.

Submissions (2):

GeneDx
Classification: Benign. Last evaluated: 2015-12-28. Review status: criteria provided, single submitter. Criteria: GeneDx Variant Classification (06012015). Collection method: clinical testing. Allele origin: germline. Affected: yes.
Comment: This variant is considered likely benign or benign based on one or more of the following criteria: it is a conservative change, it occurs at a poorly conserved position in the protein, it is predicted to be benign by multiple in silico algorithms, and/or has population frequency not consistent with disease.

Breakthrough Genomics
Classification: Benign. Review status: criteria provided, single submitter. Criteria: ACMG Guidelines, 2015. Collection method: not provided. Allele origin: germline. Inheritance: Autosomal recessive inheritance. Affected: yes.